The following is an entry in ClinVar:

NM_000051.4(ATM):c.2167G>A (p.Val723Met)

Gene: ATM (ATM serine/threonine kinase; plus strand). Cytogenetic location: 11q22.3.
Variant type: single nucleotide variant.
Coding change: c.2167G>A on transcript NM_000051.4 (MANE Select); coding-DNA position 2167, G replaced by A.
Protein change: p.Val723Met; replaces valine 723 with methionine.
Molecular consequence: missense variant.
Genome position (GRCh38, 1-based): chr11:108,256,257, G>A. VCF-style: chr11-108256257-G-A. GRCh37 (hg19) VCF-style: chr11-108126984-G-A.
Other names: c.2167G>A, p.Val723Met (NM_001351834.2); short protein forms V723M.
Identifiers: ClinVar variation 2104460 (VCV002104460.4), dbSNP rs1419404231, ClinGen allele CA382538783.

ClinVar aggregate classification (germline): Uncertain significance (1 of 4 stars; one submission).

Conditions:
Ataxia-telangiectasia syndrome (AT). Also called: AT, COMPLEMENTATION GROUP C; Ataxia telangiectasia (A-T); LOUIS-BAR SYNDROME; Ataxia-telangiectasia, complementation group D; Ataxia-telangiectasia, complementation group E; ATAXIA-TELANGIECTASIA, COMPLEMENTATION GROUP A. Identifiers: Orphanet 100, MedGen C0004135, MONDO:0008840, OMIM 208900.

Submission:

Labcorp Genetics (formerly Invitae), Labcorp
Classification: Uncertain significance for Ataxia-telangiectasia syndrome. Last evaluated: 2025-07-24. Review status: criteria provided, single submitter. Criteria: Invitae Variant Classification Sherloc (09022015). Collection method: clinical testing. Allele origin: germline.
Comment: This sequence change replaces valine, which is neutral and non-polar, with methionine, which is neutral and non-polar, at codon 723 of the ATM protein (p.Val723Met). This variant is not present in population databases (gnomAD no frequency). This variant has not been reported in the literature in individuals affected with ATM-related conditions. ClinVar contains an entry for this variant (Variation ID: 2104460). Invitae Evidence Modeling of protein sequence and biophysical properties (such as structural, functional, and spatial information, amino acid conservation, physicochemical variation, residue mobility, and thermodynamic stability) indicates that this missense variant is not expected to disrupt ATM protein function with a negative predictive value of 95%. In summary, the available evidence is currently insufficient to determine the role of this variant in disease. Therefore, it has been classified as a Variant of Uncertain Significance.